The following is an entry in ClinVar:

NM_003331.5(TYK2):c.-316G>A

Gene: TYK2 (tyrosine kinase 2; minus strand). Cytogenetic location: 19p13.2.
Variant type: single nucleotide variant.
Coding change: c.-316G>A on transcript NM_003331.5 (MANE Select); 316 bases upstream of the start codon, G replaced by A.
Molecular consequence: 5 prime UTR variant.
Genome position (GRCh38, 1-based): chr19:10,380,510, C>T on the plus strand (G>A on the coding strand, the complement: TYK2 is on the minus strand). VCF-style: chr19-10380510-C-T. GRCh37 (hg19) VCF-style: chr19-10491186-C-T.
Identifiers: ClinVar variation 440729 (VCV000440729.6), dbSNP rs2304258, ClinGen allele CA305221656.
Genomic context (GRCh38, chr19:10,380,510, plus strand): 5'-CCGCGGCTTCTTCCTGAGGACCTCCGGCCGCGCTCCTTCCGCGCCCGCGTCCAGACTCAC[C>T]CTTCCGGGGGAACACAAGCTCGAACCCGGACCCCTCCCCGCTCCCGCGGGTAGCTACTGC-3'

ClinVar aggregate classification (germline): Benign. Review status: criteria provided, single submitter (1 of 4 stars). 2 submissions from 2 submitters: Benign (1). 1 of the submissions does not count toward it. Last evaluated 2017-04-27.

Conditions:
Immunodeficiency 35 (IMD35). Also called: HIES WITH ATYPICAL MYCOBACTERIOSIS, AUTOSOMAL RECESSIVE; HYPER-IgE SYNDROME WITH ATYPICAL MYCOBACTERIOSIS, AUTOSOMAL RECESSIVE; Susceptibility to infection due to TYK2 deficiency; TYK2 DEFICIENCY. Identifiers: Orphanet 331226, MedGen C1969086, MONDO:0012682, OMIM 611521.
Virus-induced diabetes. Identifiers: MedGen CN258239.

Allele frequency attached by ClinVar (database versions not stated): TOPMed 0.00204; gnomAD 0.00500 and 0.00528; 1000 Genomes Project 30x 0.00515; 1000 Genomes Project 0.00659.

Submissions (2):

Illumina Laboratory Services, Illumina
Classification: Benign for Immunodeficiency 35. Last evaluated: 2017-04-27. Review status: criteria provided, single submitter. Criteria: ICSL Variant Classification Criteria 13 December 2019. Collection method: clinical testing. Allele origin: germline.
Comment: This variant was observed as part of a predisposition screen in an ostensibly healthy population. A literature search was performed for the gene, cDNA change, and amino acid change (where applicable). No publications were found based on this search. Allele frequency data from public databases was too high to be consistent with this variant causing disease. Therefore, this variant is classified as benign.

Division of Host Defense, Kyushu University
Classification: Uncertain significance for Virus-induced diabetes. Review status: no assertion criteria provided. Collection method: reference population. Allele origin: inherited. Not counted in ClinVar's aggregate classification.

Literature cited by the submitters: PubMed 26288847 (cited by Division of Host Defense, Kyushu University).